The following is an entry in ClinVar:

NM_020778.5(ALPK3):c.2631_2634del (p.Ser878fs)

Gene: ALPK3 (alpha kinase 3; plus strand). Cytogenetic location: 15q25.3.
Variant type: Deletion.
Coding change: c.2631_2634del on transcript NM_020778.5 (MANE Select); coding-DNA positions 2631 to 2634, 4 bases deleted (TAGC; older notation c.2631_2634delTAGC).
Protein change: p.Ser878fs; shifts the reading frame from serine 878.
Molecular consequence: frameshift variant.
Genome position (GRCh38, 1-based): chr15:84,857,369-84,857,372, TAGC deleted; deleting any 4 consecutive bases within chr15:84,857,366-84,857,372 gives the same sequence; the c. name uses the placement nearest the transcript's 3' end. VCF-style (leftmost placement, unchanged base first): chr15-84857365-CAGCT-C. GRCh37 (hg19) VCF-style: chr15-85400596-CAGCT-C.
Other names: c.3237_3240delTAGC (NM_020778.4); short protein forms S878fs.
Identifiers: ClinVar variation 3689438 (VCV003689438.5).
Genomic context (GRCh38, chr15:84,857,365, plus strand): 5'-CTCTAGCTGGCCTGAGCCAGGAGGTACCCACGATGCCTTCTCTTCCTGGAACTGGGCTGA[CAGCT>C]AGCCCAAAGGCGGGGCCGTGTAGCACCCCGACTTCTCAGCACGGGAGCACAGCCACCTTC-3'

ClinVar aggregate classification (germline): Pathogenic/Likely pathogenic. Review status: criteria provided, multiple submitters, no conflicts (2 of 4 stars). 3 submissions from 3 submitters: Pathogenic (2); Likely pathogenic (1). Last evaluated 2025-12-08.

Conditions:
Cardiovascular phenotype. Identifiers: MedGen CN230736.
Cardiomyopathy, familial hypertrophic 27. Identifiers: MedGen C4748014, MONDO:0054838, OMIM 618052.

Submissions (3):

Labcorp Genetics (formerly Invitae), Labcorp
Classification: Pathogenic. Last evaluated: 2025-12-08. Review status: criteria provided, single submitter. Criteria: Invitae Variant Classification Sherloc (09022015). Collection method: clinical testing. Allele origin: germline.
Comment: This sequence change creates a premature translational stop signal (p.Ser1080Glnfs*27) in the ALPK3 gene. It is expected to result in an absent or disrupted protein product. Loss-of-function variants in ALPK3 are known to be pathogenic (PMID: 21441111, 26846950, 27106955, 34263907). This variant is not present in population databases (gnomAD no frequency). This variant has not been reported in the literature in individuals affected with ALPK3-related conditions. ClinVar contains an entry for this variant (Variation ID: 3689438). For these reasons, this variant has been classified as Pathogenic.

Ambry Genetics
Classification: Pathogenic for Cardiovascular phenotype. Last evaluated: 2025-05-06. Review status: criteria provided, single submitter. Criteria: Ambry Variant Classification Scheme 2023. Collection method: clinical testing. Allele origin: germline.
Comment: The c.3237_3240delTAGC pathogenic mutation, located in coding exon 6 of the ALPK3 gene, results from a deletion of 4 nucleotides at nucleotide positions 3237 to 3240, causing a translational frameshift with a predicted alternate stop codon (p.S1080Qfs*27). This variant is considered to be rare based on population cohorts in the Genome Aggregation Database (gnomAD). This alteration is expected to result in loss of function by premature protein truncation or nonsense-mediated mRNA decay. As such, this alteration is interpreted as a disease-causing mutation.

Juno Genomics, Hangzhou Juno Genomics, Inc
Classification: Likely pathogenic for Cardiomyopathy, familial hypertrophic 27. Review status: criteria provided, single submitter. Criteria: ACMG Guidelines, 2015. Collection method: clinical testing. Allele origin: germline.
Comment: Absent from controls (or at extremely low frequency if recessive) in Genome Aggregation Database.;Null variant in a gene where loss of function (LOF) is a known mechanism of disease.

Literature cited by the submitters: PubMed 21441111 (cited by Labcorp Genetics (formerly Invitae), Labcorp); PubMed 26846950 (cited by Labcorp Genetics (formerly Invitae), Labcorp); PubMed 27106955 (cited by Labcorp Genetics (formerly Invitae), Labcorp); PubMed 34263907 (cited by Labcorp Genetics (formerly Invitae), Labcorp).